The following is an entry in ClinVar:

NM_001017995.3(SH3PXD2B):c.884C>A (p.Pro295Gln)

Gene: SH3PXD2B (SH3 and PX domains 2B; minus strand). Cytogenetic location: 5q35.1.
Variant type: single nucleotide variant.
Coding change: c.884C>A on transcript NM_001017995.3 (MANE Select); coding-DNA position 884, C replaced by A.
Protein change: p.Pro295Gln; replaces proline 295 with glutamine.
Molecular consequence: missense variant.
Genome position (GRCh38, 1-based): chr5:172,350,491, G>T on the plus strand (C>A on the coding strand, the complement: SH3PXD2B is on the minus strand). VCF-style: chr5-172350491-G-T. GRCh37 (hg19) VCF-style: chr5-171777495-G-T.
Other names: c.884C>A, p.Pro295Gln (NM_001308175.2); short protein forms P295Q.
Identifiers: ClinVar variation 352820 (VCV000352820.21), dbSNP rs77955907, ClinGen allele CA3561391.

ClinVar aggregate classification (germline): Benign. Review status: criteria provided, multiple submitters, no conflicts (2 of 4 stars). 6 submissions from 6 submitters: Benign (4). 2 of the submissions do not count toward it. Last evaluated 2026-02-01.

Conditions:
Frank-Ter Haar syndrome. Also called: Borrone di Rocco Crovato syndrome; BORRONE DERMATOCARDIOSKELETAL SYNDROME; TER HAAR SYNDROME; MELNICK-NEEDLES SYNDROME, AUTOSOMAL RECESSIVE. Identifiers: Orphanet 1266, Orphanet 137834, MedGen C1855305, MONDO:0009579, OMIM 249420.

Allele frequency attached by ClinVar (database versions not stated): TOPMed 0.03229; ESP Exome Variant Server 0.03268; 1000 Genomes Project 0.03454; 1000 Genomes Project 30x 0.03716.
gnomAD v4.1: 24,342 of 1,614,132 alleles (1.5%); highest among the groups gnomAD compares: African/African-American, 7.8%; 445 homozygotes.

Submissions (19):

Labcorp Genetics (formerly Invitae), Labcorp
Classification: Benign. Last evaluated: 2026-02-01. Review status: criteria provided, single submitter. Criteria: Invitae Variant Classification Sherloc (09022015). Collection method: clinical testing. Allele origin: germline.

Genome-Nilou Lab
Classification: Benign for Frank-Ter Haar syndrome. Last evaluated: 2021-07-15. Review status: criteria provided, single submitter. Criteria: ACMG Guidelines, 2015. Collection method: clinical testing. Allele origin: germline. Affected: no.

GeneDx
Classification: Benign. Last evaluated: 2018-06-26. Review status: criteria provided, single submitter. Criteria: GeneDx Variant Classification Process June 2021. Collection method: clinical testing. Allele origin: germline. Affected: yes.

Illumina Laboratory Services, Illumina
Classification: Benign for Frank-Ter Haar syndrome. Last evaluated: 2018-01-13. Review status: criteria provided, single submitter. Criteria: ICSL Variant Classification Criteria 13 December 2019. Collection method: clinical testing. Allele origin: germline.
Comment: This variant was observed in the ICSL laboratory as part of a predisposition screen in an ostensibly healthy population. It had not been previously curated by ICSL or reported in the Human Gene Mutation Database (HGMD: prior to June 1st, 2018), and was therefore a candidate for classification through an automated scoring system. Utilizing variant allele frequency, disease prevalence and penetrance estimates, and inheritance mode, an automated score was calculated to assess if this variant is too frequent to cause the disease. Based on the score and internal cut-off values, a variant classified as benign is not then subjected to further curation. The score for this variant resulted in a classification of benign for this disease.

Dr. Peter K. Rogan Lab, Western University
No classification provided (evidence only). Condition: Lung cancer. Review status: no classification provided. Collection method: in vitro. Allele origin: not applicable. Functional consequence: retained intron. Not counted in ClinVar's aggregate classification.

Dr. Peter K. Rogan Lab, Western University
No classification provided (evidence only). Condition: Melanoma. Review status: no classification provided. Collection method: in vitro. Allele origin: not applicable. Functional consequence: retained intron. Not counted in ClinVar's aggregate classification.

Dr. Peter K. Rogan Lab, Western University
No classification provided (evidence only). Condition: Melanoma. Review status: no classification provided. Collection method: in vitro. Allele origin: not applicable. Functional consequence: retained intron. Not counted in ClinVar's aggregate classification.

Dr. Peter K. Rogan Lab, Western University
No classification provided (evidence only). Condition: Acute myeloid leukemia. Review status: no classification provided. Collection method: in vitro. Allele origin: not applicable. Functional consequence: retained intron. Not counted in ClinVar's aggregate classification.

Dr. Peter K. Rogan Lab, Western University
No classification provided (evidence only). Condition: Acute myeloid leukemia. Review status: no classification provided. Collection method: in vitro. Allele origin: not applicable. Functional consequence: retained intron. Not counted in ClinVar's aggregate classification.

Dr. Peter K. Rogan Lab, Western University
No classification provided (evidence only). Condition: Thyroid cancer, nonmedullary, 1. Review status: no classification provided. Collection method: in vitro. Allele origin: not applicable. Functional consequence: retained intron. Not counted in ClinVar's aggregate classification.

Dr. Peter K. Rogan Lab, Western University
No classification provided (evidence only). Condition: Cervical cancer. Review status: no classification provided. Collection method: in vitro. Allele origin: not applicable. Functional consequence: retained intron. Not counted in ClinVar's aggregate classification.

Dr. Peter K. Rogan Lab, Western University
No classification provided (evidence only). Condition: Cervical cancer. Review status: no classification provided. Collection method: in vitro. Allele origin: not applicable. Functional consequence: retained intron. Not counted in ClinVar's aggregate classification.

Dr. Peter K. Rogan Lab, Western University
No classification provided (evidence only). Condition: Cervical cancer. Review status: no classification provided. Collection method: in vitro. Allele origin: not applicable. Functional consequence: retained intron. Not counted in ClinVar's aggregate classification.

Dr. Peter K. Rogan Lab, Western University
No classification provided (evidence only). Condition: Cervical cancer. Review status: no classification provided. Collection method: in vitro. Allele origin: not applicable. Functional consequence: retained intron. Not counted in ClinVar's aggregate classification.

Dr. Peter K. Rogan Lab, Western University
No classification provided (evidence only). Condition: Hepatocellular carcinoma. Review status: no classification provided. Collection method: in vitro. Allele origin: not applicable. Functional consequence: retained intron. Not counted in ClinVar's aggregate classification.

Dr. Peter K. Rogan Lab, Western University
No classification provided (evidence only). Condition: Gastric cancer. Review status: no classification provided. Collection method: in vitro. Allele origin: not applicable. Functional consequence: retained intron. Not counted in ClinVar's aggregate classification.

Dr. Peter K. Rogan Lab, Western University
No classification provided (evidence only). Condition: Adrenocortical carcinoma, hereditary. Review status: no classification provided. Collection method: in vitro. Allele origin: not applicable. Functional consequence: retained intron. Not counted in ClinVar's aggregate classification.

Joint Genome Diagnostic Labs from Nijmegen and Maastricht, Radboudumc and MUMC+
Classification: Benign. Review status: no assertion criteria provided. Collection method: clinical testing. Allele origin: germline. Affected: yes. Study: VKGL Data-share Consensus. Not counted in ClinVar's aggregate classification.

Laboratory of Diagnostic Genome Analysis, Leiden University Medical Center (LUMC)
Classification: Likely benign. Review status: no assertion criteria provided. Collection method: clinical testing. Allele origin: germline. Affected: yes. Study: VKGL Data-share Consensus. Not counted in ClinVar's aggregate classification.